The following is an entry in ClinVar:

ClinVar aggregate classification (germline): Likely benign. Review status: criteria provided, multiple submitters, no conflicts (2 of 4 stars). 3 submissions from 3 submitters: Likely benign (2). 1 of the submissions does not count toward it. Last evaluated 2026-02-01.

Conditions:
PIGN-related disorder. Also called: PIGN-related condition.
Multiple congenital anomalies-hypotonia-seizures syndrome 1 (MCAHS1). Also called: GLYCOSYLPHOSPHATIDYLINOSITOL BIOSYNTHESIS DEFECT 3; PIGN-CDG; Congenital disorder of glycosylation due to PIGN deficiency. Identifiers: Orphanet 280633, MedGen C3279775, MONDO:0013563, OMIM 614080.
Inborn genetic diseases. Identifiers: MedGen C0950123, MeSH D030342.

Allele frequency attached by ClinVar (database versions not stated): ExAC 0.00001; gnomAD exomes 0.00001; gnomAD 0.00002 and 0.00003; TOPMed 0.00005; 1000 Genomes Project 0.00020; 1000 Genomes Project 30x 0.00031.
gnomAD v4.1: 24 of 1,613,430 alleles (0.0015%); highest among the groups gnomAD compares: African/African-American, 0.0027%; no homozygotes.

Submissions (3):

Labcorp Genetics (formerly Invitae), Labcorp
Classification: Likely benign for Multiple congenital anomalies-hypotonia-seizures syndrome 1. Last evaluated: 2026-02-01. Review status: criteria provided, single submitter. Criteria: Invitae Variant Classification Sherloc (09022015). Collection method: clinical testing. Allele origin: germline.

Ambry Genetics
Classification: Likely benign for Inborn genetic diseases. Last evaluated: 2018-01-12. Review status: criteria provided, single submitter. Criteria: Ambry Variant Classification Scheme 2023. Collection method: clinical testing. Allele origin: germline.

PreventionGenetics, part of Exact Sciences
Classification: Likely benign for PIGN-related condition. Last evaluated: 2019-06-18. Review status: no assertion criteria provided. Collection method: clinical testing. Allele origin: germline. Not counted in ClinVar's aggregate classification.
Comment: This variant is classified as likely benign based on ACMG/AMP sequence variant interpretation guidelines (Richards et al. 2015 PMID: 25741868, with internal and published modifications).

NM_176787.5(PIGN):c.48C>T (p.Phe16=)

Gene: PIGN (phosphatidylinositol glycan anchor biosynthesis class N; minus strand). Cytogenetic location: 18q21.33.
Variant type: single nucleotide variant.
Coding change: c.48C>T on transcript NM_176787.5 (MANE Select); coding-DNA position 48, C replaced by T.
Protein change: p.Phe16=; no amino-acid change (phenylalanine 16 retained).
Molecular consequence: synonymous variant.
Genome position (GRCh38, 1-based): chr18:62,161,306, G>A on the plus strand (C>T on the coding strand, the complement: PIGN is on the minus strand). VCF-style: chr18-62161306-G-A. GRCh37 (hg19) VCF-style: chr18-59828539-G-A.
Other names: c.48C>T, p.Phe16= (NM_012327.6).
Identifiers: ClinVar variation 1150704 (VCV001150704.13), dbSNP rs148669516, ClinGen allele CA8982668.